The following is an entry in ClinVar:

ClinVar aggregate classification (germline): Pathogenic (1 of 4 stars; one submission).

Conditions:
Familial cancer of breast. Also called: Hereditary breast cancer; BREAST CANCER, FAMILIAL; hereditary breast carcinoma. Identifiers: Orphanet 227535, MedGen C0346153, MONDO:0016419, OMIM 114480. Disease mechanism: loss of function.

Submission:

Myriad Genetics, Inc.
Classification: Pathogenic for Familial cancer of breast. Last evaluated: 2023-09-06. Review status: criteria provided, single submitter. Criteria: Myriad Autosomal Dominant, Autosomal Recessive and X-Linked Classification Criteria (2023). Collection method: clinical testing. Allele origin: unknown.
Comment: This variant is considered pathogenic. This variant creates a frameshift predicted to result in premature protein truncation.

NM_024675.4(PALB2):c.347dup (p.Leu116fs)

Gene: PALB2 (partner and localizer of BRCA2; minus strand). Cytogenetic location: 16p12.2.
Variant type: Duplication.
Coding change: c.347dup on transcript NM_024675.4 (MANE Select); coding-DNA position 347, one base duplicated (T; older notation c.347dupT).
Protein change: p.Leu116fs; shifts the reading frame from leucine 116.
Molecular consequence: frameshift variant. On other transcripts: intron variant (3), 5 prime UTR variant (8).
Genome position (GRCh38, 1-based): chr16:23,636,199, A duplicated on the plus strand (T on the coding strand, the reverse complement: PALB2 is on the minus strand); the first of 2 consecutive A bases (chr16:23,636,199-23,636,200); duplicating either gives the same sequence. VCF-style (leftmost placement, unchanged base first): chr16-23636198-T-TA. GRCh37 (hg19) VCF-style: chr16-23647519-T-TA.
Other names: c.-105+4911dup (NM_001407313.1, NM_001407312.1); c.287dup, p.Leu96fs (NM_001407296.1); c.347dup, p.Leu116fs (NM_001407297.1, NM_001407298.1, NM_001407299.1 and 3 more transcripts); c.-539dup (NM_001407304.1, NM_001407305.1, NM_001407306.1 and 5 more transcripts); c.48+4911dup (NM_001407314.1); short protein forms L116fs, L96fs.
Identifiers: ClinVar variation 2674182 (VCV002674182.1), dbSNP rs2506515350, ClinGen allele CA2695197555.